The following is an entry in ClinVar:

ClinVar aggregate classification (germline): Uncertain significance (1 of 4 stars; one submission).

Conditions:
Familial cancer of breast. Also called: BREAST CANCER, FAMILIAL; Hereditary breast cancer; hereditary breast carcinoma. Identifiers: Orphanet 227535, MedGen C0346153, MONDO:0016419, OMIM 114480. Disease mechanism: loss of function.
Fanconi anemia complementation group J. Also called: BRIP1-Related Fanconi Anemia. Identifiers: Orphanet 84, MedGen C1836860, MONDO:0012187, OMIM 609054.

Submission:

Labcorp Genetics (formerly Invitae), Labcorp
Classification: Uncertain significance for Familial cancer of breast; Fanconi anemia complementation group J. Last evaluated: 2019-07-24. Review status: criteria provided, single submitter. Criteria: Invitae Variant Classification Sherloc (09022015). Collection method: clinical testing. Allele origin: germline.
Comment: In summary, the available evidence is currently insufficient to determine the role of this variant in disease. Therefore, it has been classified as a Variant of Uncertain Significance. Algorithms developed to predict the effect of missense changes on protein structure and function are either unavailable or do not agree on the potential impact of this missense change (SIFT: "Tolerated"; PolyPhen-2: "Possibly Damaging"; Align-GVGD: "Class C0"). This variant has not been reported in the literature in individuals with BRIP1-related conditions. This variant is not present in population databases (ExAC no frequency). This sequence change replaces threonine with proline at codon 232 of the BRIP1 protein (p.Thr232Pro). The threonine residue is moderately conserved and there is a small physicochemical difference between threonine and proline.

NM_032043.3(BRIP1):c.694A>C (p.Thr232Pro)

Gene: BRIP1 (BRCA1 interacting DNA helicase 1; minus strand). Cytogenetic location: 17q23.2.
Variant type: single nucleotide variant.
Coding change: c.694A>C on transcript NM_032043.3 (MANE Select); coding-DNA position 694, A replaced by C.
Protein change: p.Thr232Pro; replaces threonine 232 with proline.
Molecular consequence: missense variant.
Genome position (GRCh38, 1-based): chr17:61,808,691, T>G on the plus strand (A>C on the coding strand, the complement: BRIP1 is on the minus strand). VCF-style: chr17-61808691-T-G. GRCh37 (hg19) VCF-style: chr17-59886052-T-G.
Other names: short protein forms T232P.
Identifiers: ClinVar variation 943104 (VCV000943104.10), dbSNP rs2078115132, ClinGen allele CA400485112.